The following is an entry in ClinVar:

NM_001103.4(ACTN2):c.1298C>T (p.Ser433Leu)

Gene: ACTN2 (actinin alpha 2; plus strand). Cytogenetic location: 1q43.
Variant type: single nucleotide variant.
Coding change: c.1298C>T on transcript NM_001103.4 (MANE Select); coding-DNA position 1298, C replaced by T.
Protein change: p.Ser433Leu; replaces serine 433 with leucine.
Molecular consequence: missense variant.
Genome position (GRCh38, 1-based): chr1:236,744,668, C>T. VCF-style: chr1-236744668-C-T. GRCh37 (hg19) VCF-style: chr1-236907968-C-T.
Other names: p.S433L:TCG>TTG; c.1298C>T, p.Ser433Leu (NM_001278343.2); c.674C>T, p.Ser225Leu (NM_001278344.2); short protein forms S433L, S225L.
Identifiers: ClinVar variation 177977 (VCV000177977.41), dbSNP rs143749154, ClinGen allele CA181102.
Genomic context (GRCh38, chr1:236,744,668, plus strand): 5'-TTGCTACCACCTTTGCAGGCAAAGAGCAGATCTTGCTGCAGAAGGATTACGAGTCGGCGT[C>T]GCTGACAGAGGTGCGGGCTCTGCTGCGGAAGCACGAGGCGTTCGAGAGCGACCTGGCAGC-3'
Protein context (NP_001094.1, residues 423-443): ILLQKDYESA[Ser433Leu]LTEVRALLRK

ClinVar aggregate classification (germline): Benign/Likely benign. Review status: criteria provided, multiple submitters, no conflicts (2 of 4 stars). 12 submissions from 12 submitters: Benign (6); Likely benign (2). 4 of the submissions do not count toward it. Last evaluated 2026-02-02.

Conditions:
ACTN2-related disorder. Also called: ACTN2-related disorders; ACTN2 related condition.
Cardiovascular phenotype. Identifiers: MedGen CN230736.
Primary familial hypertrophic cardiomyopathy (HCM). Identifiers: Orphanet 99739, MedGen C0949658, MeSH D024741, MONDO:0024573. Inheritance: Various modes of inheritance.
Dilated cardiomyopathy 1AA (CMD1AA). Also called: CARDIOMYOPATHY, DILATED, 1AA, WITH OR WITHOUT LEFT VENTRICULAR NONCOMPACTION; CARDIOMYOPATHY, FAMILIAL HYPERTROPHIC, 23, WITH OR WITHOUT LEFT VENTRICULAR NONCOMPACTION; Cardiomyopathy, dilated, 1AA, with or without LVNC. Identifiers: Orphanet 154, MedGen C2677338, MONDO:0012808, OMIM 612158.
Cardiomyopathy (CMYO). Also called: Cardiomyopathies. Identifiers: Orphanet 167848, MedGen C0878544, MONDO:0004994, HP:0001638. Inheritance: Various modes of inheritance.

Allele frequency attached by ClinVar (database versions not stated): gnomAD exomes 0.00029 and 0.00068; ExAC 0.00080; 1000 Genomes Project 0.00160; 1000 Genomes Project 30x 0.00172; TOPMed 0.00265; ESP Exome Variant Server 0.00354.
gnomAD v4.1: 831 of 1,614,214 alleles (0.051%); highest among the groups gnomAD compares: African/African-American, 0.88%; 5 homozygotes.

Submissions (12):

Labcorp Genetics (formerly Invitae), Labcorp
Classification: Benign for Primary familial hypertrophic cardiomyopathy; Dilated cardiomyopathy 1AA. Last evaluated: 2026-02-02. Review status: criteria provided, single submitter. Criteria: Invitae Variant Classification Sherloc (09022015). Collection method: clinical testing. Allele origin: germline.

CeGaT Center for Human Genetics Tuebingen
Classification: Benign. Last evaluated: 2025-04-01. Review status: criteria provided, single submitter. Criteria: CeGaT Center For Human Genetics Tuebingen Variant Classification Criteria Version 2. Collection method: clinical testing. Allele origin: germline. Affected: yes. Observed: 1 variant allele.
Comment: ACTN2: BS1, BS2

Blueprint Genetics
Classification: Likely benign. Last evaluated: 2024-06-05. Review status: criteria provided, single submitter. Criteria: ACMG Guidelines, 2015. Collection method: clinical testing. Allele origin: germline.

CHEO Genetics Diagnostic Laboratory, Children's Hospital of Eastern Ontario
Classification: Benign for Cardiomyopathy. Last evaluated: 2023-06-08. Review status: criteria provided, single submitter. Criteria: ACMG Guidelines, 2015. Collection method: clinical testing. Allele origin: germline. Study: Canadian Open Genetics Repository.

Ambry Genetics
Classification: Benign for Cardiovascular phenotype. Last evaluated: 2018-02-27. Review status: criteria provided, single submitter. Criteria: Ambry Variant Classification Scheme 2023. Collection method: clinical testing. Allele origin: germline.

GeneDx
Classification: Benign. Last evaluated: 2016-10-27. Review status: criteria provided, single submitter. Criteria: GeneDx Variant Classification (06012015). Collection method: clinical testing. Allele origin: germline. Affected: yes.
Comment: This variant is considered likely benign or benign based on one or more of the following criteria: it is a conservative change, it occurs at a poorly conserved position in the protein, it is predicted to be benign by multiple in silico algorithms, and/or has population frequency not consistent with disease.

Laboratory for Molecular Medicine, Mass General Brigham Personalized Medicine
Classification: Benign. Last evaluated: 2013-10-10. Review status: criteria provided, single submitter. Criteria: LMM Criteria. Collection method: clinical testing. Allele origin: germline. Observed: 4 variant alleles.
Comment: Ser433Leu in Exon 12 of ACTN2: This variant is not expected to have clinical sig nificance because it has been identified in 1.0% (46/4406) of African American c hromosomes from a broad population by the NHLBI Exome Sequencing Project (dbSNP rs143749154).

Molecular Diagnostic Laboratory for Inherited Cardiovascular Disease, Montreal Heart Institute
Classification: Likely benign. Review status: criteria provided, single submitter. Criteria: ACMG Guidelines, 2015. Collection method: clinical testing. Allele origin: germline. Affected: yes.

PreventionGenetics, part of Exact Sciences
Classification: Benign for ACTN2-related condition. Last evaluated: 2019-05-10. Review status: no assertion criteria provided. Collection method: clinical testing. Allele origin: germline. Not counted in ClinVar's aggregate classification.
Comment: This variant is classified as benign based on ACMG/AMP sequence variant interpretation guidelines (Richards et al. 2015 PMID: 25741868, with internal and published modifications).

Clinical Genetics DNA and cytogenetics Diagnostics Lab, Erasmus MC, Erasmus Medical Center
Classification: Benign. Review status: no assertion criteria provided. Collection method: clinical testing. Allele origin: germline. Affected: yes. Study: VKGL Data-share Consensus. Not counted in ClinVar's aggregate classification.

Clinical Genetics, Academic Medical Center
Classification: Benign. Review status: no assertion criteria provided. Collection method: clinical testing. Allele origin: germline. Affected: yes. Study: VKGL Data-share Consensus. Not counted in ClinVar's aggregate classification.

Diagnostic Laboratory, Department of Genetics, University Medical Center Groningen
Classification: Likely benign. Review status: no assertion criteria provided. Collection method: clinical testing. Allele origin: germline. Affected: yes. Study: VKGL Data-share Consensus. Not counted in ClinVar's aggregate classification.